The following is an entry in ClinVar:

NM_020937.4(FANCM):c.3577C>T (p.Gln1193Ter)

Gene: FANCM (FA complementation group M; plus strand). Cytogenetic location: 14q21.2.
Variant type: single nucleotide variant.
Coding change: c.3577C>T on transcript NM_020937.4 (MANE Select); coding-DNA position 3577, C replaced by T.
Protein change: p.Gln1193Ter; replaces glutamine 1193 with a stop codon.
Molecular consequence: nonsense.
Genome position (GRCh38, 1-based): chr14:45,176,331, C>T. VCF-style: chr14-45176331-C-T. GRCh37 (hg19) VCF-style: chr14-45645534-C-T.
Other names: c.3499C>T, p.Gln1167Ter (NM_001308133.2); short protein forms Q1167*, Q1193*.
Identifiers: ClinVar variation 2633600 (VCV002633600.1), dbSNP rs978210562, ClinGen allele CA389602141.

ClinVar aggregate classification (germline): Pathogenic (1 of 4 stars; one submission).

Conditions:
FANCM-related disorder. Also called: FANCM-related condition.

Allele frequency attached by ClinVar (database versions not stated): TOPMed below 0.00001.

Submission:

PreventionGenetics, part of Exact Sciences
Classification: Pathogenic for FANCM-related condition. Last evaluated: 2023-03-27. Review status: criteria provided, single submitter. Criteria: ACMG Guidelines, 2015. Collection method: clinical testing. Allele origin: germline.
Comment: The FANCM c.3577C>T variant is predicted to result in premature protein termination (p.Gln1193*). To our knowledge, this variant has not been reported in the literature or in a large population database, indicating this variant is rare. Nonsense variants in FANCM are expected to be pathogenic. This variant is interpreted as pathogenic.